The following is an entry in ClinVar:

ClinVar aggregate classification (germline): Uncertain significance (1 of 4 stars; one submission).

Submission:

Ambry Genetics
Classification: Uncertain significance. Last evaluated: 2025-02-27. Review status: criteria provided, single submitter. Criteria: Ambry Variant Classification Scheme 2023. Collection method: clinical testing. Allele origin: germline.
Comment: The p.P1266S variant (also known as c.3796C>T), located in coding exon 14 of the CDK12 gene, results from a C to T substitution at nucleotide position 3796. The proline at codon 1266 is replaced by serine, an amino acid with similar properties. This amino acid position is conserved. In addition, the in silico prediction for this alteration is inconclusive. Based on the available evidence, the clinical significance of this variant remains unclear.

NM_016507.4(CDK12):c.3796C>T (p.Pro1266Ser)

Gene: CDK12 (cyclin dependent kinase 12; plus strand). Cytogenetic location: 17q12.
Variant type: single nucleotide variant.
Coding change: c.3796C>T on transcript NM_016507.4 (MANE Select); coding-DNA position 3796, C replaced by T.
Protein change: p.Pro1266Ser; replaces proline 1266 with serine.
Molecular consequence: missense variant.
Genome position (GRCh38, 1-based): chr17:39,530,639, C>T. VCF-style: chr17-39530639-C-T. GRCh37 (hg19) VCF-style: chr17-37686892-C-T.
Other names: c.3769C>T, p.Pro1257Ser (NM_015083.4); short protein forms P1257S, P1266S.
Identifiers: ClinVar variation 3830718 (VCV003830718.1).
Genomic context (GRCh38, chr17:39,530,639, plus strand): 5'-TTTAAAAGAAGTAACCCTTCCACAGCATGTCCTCCTCACATTCTTCCACCAGAGAAGAGG[C>T]CCCCTGAGCCCCCCGGACCTCCACCGCCGCCACCTCCACCCCCTCTGGTTGAAGGCGATC-3'
Protein context (NP_057591.2, residues 1256-1276): PPHILPPEKR[Pro1266Ser]PEPPGPPPPP